The following is an entry in ClinVar:

ClinVar aggregate classification (germline): Pathogenic. Review status: criteria provided, single submitter (1 of 4 stars). 3 submissions from 2 submitters: Pathogenic (1). 2 of the submissions do not count toward it. Last evaluated 2024-03-17.

Conditions:
Autosomal recessive retinitis pigmentosa. Identifiers: MedGen C0339526.
Retinitis pigmentosa 38 (RP38). Also called: ROD-CONE DYSTROPHY, CHILDHOOD-ONSET. Identifiers: Orphanet 791, MedGen C3151228, MONDO:0013469, OMIM 613862.

Submissions (3):

Genomic Medicine Center of Excellence, King Faisal Specialist Hospital and Research Centre
Classification: Pathogenic for Retinitis pigmentosa 38. Last evaluated: 2024-03-17. Review status: criteria provided, single submitter. Criteria: ACMG Guidelines, 2015. Collection method: research. Allele origin: germline.

Faculty of Health Sciences, Beirut Arab University
Classification: Pathogenic for Autosomal recessive Retinitis Pigmentosa. Last evaluated: 2015-09-10. Review status: no assertion criteria provided. Collection method: literature only. Allele origin: germline. Affected: yes. Observed: 1 variant allele. Not counted in ClinVar's aggregate classification.

Genomic Medicine Center of Excellence, King Faisal Specialist Hospital and Research Centre
Classification: Likely pathogenic. Review status: flagged submission. Criteria: ACMG Guidelines, 2015. Collection method: research. Allele origin: germline. Affected: yes. Not counted in ClinVar's aggregate classification.
ClinVar note: Reason: This record appears to be redundant with a more recent record from the same submitter.
ClinVar note: Notes: SCV000221500 appears to be redundant with SCV004804872.

Literature cited by the submitters: PubMed 26355662 (cited by Faculty of Health Sciences, Beirut Arab University).

NM_006343.3(MERTK):c.325A>T (p.Lys109Ter)

Gene: MERTK (MER proto-oncogene, tyrosine kinase; plus strand). Cytogenetic location: 2q13.
Variant type: single nucleotide variant.
Coding change: c.325A>T on transcript NM_006343.3 (MANE Select); coding-DNA position 325, A replaced by T.
Protein change: p.Lys109Ter; replaces lysine 109 with a stop codon.
Molecular consequence: nonsense.
Genome position (GRCh38, 1-based): chr2:111,929,383, A>T. VCF-style: chr2-111929383-A-T. GRCh37 (hg19) VCF-style: chr2-112686960-A-T.
Other names: short protein forms K109*.
Identifiers: ClinVar variation 191123 (VCV000191123.4), dbSNP rs786205533, ClinGen allele CA236067.